The following is an entry in ClinVar:

NM_005883.3(APC2):c.3241C>G (p.Arg1081Gly)

Gene: APC2 (APC regulator of Wnt signaling pathway 2; plus strand). Cytogenetic location: 19p13.3.
Variant type: single nucleotide variant.
Coding change: c.3241C>G on transcript NM_005883.3 (MANE Select); coding-DNA position 3241, C replaced by G.
Protein change: p.Arg1081Gly; replaces arginine 1081 with glycine.
Molecular consequence: missense variant.
Genome position (GRCh38, 1-based): chr19:1,466,542, C>G. VCF-style: chr19-1466542-C-G. GRCh37 (hg19) VCF-style: chr19-1466541-C-G.
Other names: c.3238C>G, p.Arg1080Gly (NM_001351273.1); short protein forms R1080G, R1081G.
Identifiers: ClinVar variation 2441668 (VCV002441668.2), dbSNP rs568311415, ClinGen allele CA403028983.

ClinVar aggregate classification (germline): Uncertain significance. Review status: criteria provided, multiple submitters, no conflicts (2 of 4 stars). 2 submissions from 2 submitters: Uncertain significance (2). Last evaluated 2021-01-14.

Conditions:
Cortical dysplasia, complex, with other brain malformations 10. Identifiers: MedGen C5231458, MONDO:0032866, OMIM 618677.

gnomAD v4.1: 1 of 1,585,130 alleles (0.000063%); highest among the groups gnomAD compares: Non-Finnish European, 0.000085%; no homozygotes.

Submissions (2):

Baylor Genetics
Classification: Uncertain significance for Cortical dysplasia, complex, with other brain malformations 10. Last evaluated: 2021-01-14. Review status: criteria provided, single submitter. Criteria: ACMG Guidelines, 2015. Collection method: clinical testing. Allele origin: unknown.

Daryl Scott Lab, Baylor College of Medicine
Classification: Uncertain significance for Cortical dysplasia, complex, with other brain malformations 10. Review status: criteria provided, single submitter. Criteria: ACMG Guidelines, 2015. Collection method: clinical testing. Allele origin: unknown. Affected: yes. Observed: 1 compound heterozygote.
Comment: PM2